The following is an entry in ClinVar:

NM_002180.3(IGHMBP2):c.-14G>C

Gene: IGHMBP2 (immunoglobulin mu DNA binding protein 2; plus strand). Cytogenetic location: 11q13.3.
Variant type: single nucleotide variant.
Coding change: c.-14G>C on transcript NM_002180.3 (MANE Select); 14 bases upstream of the start codon, G replaced by C.
Molecular consequence: 5 prime UTR variant.
Genome position (GRCh38, 1-based): chr11:68,903,939, G>C. VCF-style: chr11-68903939-G-C. GRCh37 (hg19) VCF-style: chr11-68671407-G-C.
Identifiers: ClinVar variation 509231 (VCV000509231.1), dbSNP rs1555241810, ClinGen allele CA658797694.

ClinVar aggregate classification (germline): Likely benign (1 of 4 stars; one submission).

Submission:

GeneDx
Classification: Likely benign. Last evaluated: 2017-04-27. Review status: criteria provided, single submitter. Criteria: GeneDx Variant Classification (06012015). Collection method: clinical testing. Allele origin: germline. Affected: yes.
Comment: This variant is considered likely benign or benign based on one or more of the following criteria: it is a conservative change, it occurs at a poorly conserved position in the protein, it is predicted to be benign by multiple in silico algorithms, and/or has population frequency not consistent with disease.